The following is an entry in ClinVar:

NM_001008212.2(OPTN):c.1618G>A (p.Glu540Lys)

Gene: OPTN (optineurin; plus strand). Cytogenetic location: 10p13.
Variant type: single nucleotide variant.
Coding change: c.1618G>A on transcript NM_001008212.2 (MANE Select); coding-DNA position 1618, G replaced by A.
Protein change: p.Glu540Lys; replaces glutamic acid 540 with lysine.
Molecular consequence: missense variant.
Genome position (GRCh38, 1-based): chr10:13,136,750, G>A. VCF-style: chr10-13136750-G-A. GRCh37 (hg19) VCF-style: chr10-13178750-G-A.
Other names: c.1618G>A, p.Glu540Lys (NM_001008211.1, NM_001008213.1, NM_021980.4); short protein forms E540K.
Identifiers: ClinVar variation 2500446 (VCV002500446.1), dbSNP rs577097767, ClinGen allele CA376030644.

ClinVar aggregate classification (germline): Uncertain significance (1 of 4 stars; one submission).

Submission:

GeneDx
Classification: Uncertain significance. Last evaluated: 2022-10-31. Review status: criteria provided, single submitter. Criteria: GeneDx Variant Classification Process June 2021. Collection method: clinical testing. Allele origin: germline. Affected: yes.
Comment: Not observed at significant frequency in large population cohorts (gnomAD); In silico analysis supports that this missense variant does not alter protein structure/function; Has not been previously published as pathogenic or benign to our knowledge